The following is an entry in ClinVar:

NC_000004.11:g.(?_151792477)_(151793927_?)del

Gene: LRBA (LPS responsive beige-like anchor protein; minus strand). Cytogenetic location: 4q31.3.
Variant type: Deletion.
Identifiers: ClinVar variation 3246672 (VCV003246672.1).

ClinVar aggregate classification (germline): Pathogenic (1 of 4 stars; one submission).

Conditions:
Combined immunodeficiency due to LRBA deficiency. Also called: Common variable immunodeficiency 8, with autoimmunity. Identifiers: Orphanet 445018, MedGen C3553512, MONDO:0013863, OMIM 614700.

Submission:

Labcorp Genetics (formerly Invitae), Labcorp
Classification: Pathogenic for Combined immunodeficiency due to LRBA deficiency. Last evaluated: 2022-11-29. Review status: criteria provided, single submitter. Criteria: Invitae Variant Classification Sherloc (09022015). Collection method: clinical testing. Allele origin: unknown.
Comment: This variant is a gross deletion of the genomic region encompassing exon(s) 18-19 of the LRBA gene. This deletion is out-of-frame, and is expected to create a premature termination codon and result in an absent or disrupted protein product. Loss-of-function variants in LRBA are known to be pathogenic (PMID: 26206937, 26768763). This variant has not been reported in the literature in individuals affected with LRBA-related conditions. For these reasons, this variant has been classified as Pathogenic.

Literature cited by the submitters: PubMed 26206937; PubMed 26768763.